The following is an entry in ClinVar:

NM_005428.4(VAV1):c.1930A>G (p.Thr644Ala)

Gene: VAV1 (vav guanine nucleotide exchange factor 1; plus strand). Cytogenetic location: 19p13.3.
Variant type: single nucleotide variant.
Coding change: c.1930A>G on transcript NM_005428.4 (MANE Select); coding-DNA position 1930, A replaced by G.
Protein change: p.Thr644Ala; replaces threonine 644 with alanine.
Molecular consequence: missense variant. On other transcripts: intron variant (1).
Genome position (GRCh38, 1-based): chr19:6,837,000, A>G. VCF-style: chr19-6837000-A-G. GRCh37 (hg19) VCF-style: chr19-6837011-A-G.
Other names: c.1834A>G, p.Thr612Ala (NM_001258207.2); c.1914+432A>G (NM_001258206.2); short protein forms T612A, T644A.
Identifiers: ClinVar variation 4767077 (VCV004767077.1).

ClinVar aggregate classification (germline): Uncertain significance (1 of 4 stars; one submission).

Submission:

Labcorp Genetics (formerly Invitae), Labcorp
Classification: Uncertain significance. Last evaluated: 2025-03-29. Review status: criteria provided, single submitter. Criteria: Invitae Variant Classification Sherloc (09022015). Collection method: clinical testing. Allele origin: germline.
Comment: This sequence change replaces threonine, which is neutral and polar, with alanine, which is neutral and non-polar, at codon 644 of the VAV1 protein (p.Thr644Ala). This variant is not present in population databases (gnomAD no frequency). This variant has not been reported in the literature in individuals affected with VAV1-related conditions. An algorithm developed to predict the effect of missense changes on protein structure and function (PolyPhen-2) suggests that this variant is likely to be tolerated. In summary, the available evidence is currently insufficient to determine the role of this variant in disease. Therefore, it has been classified as a Variant of Uncertain Significance.